The following is an entry in ClinVar:

NM_024334.3(TMEM43):c.700C>T (p.Pro234Ser)

Gene: TMEM43 (transmembrane protein 43; plus strand). Cytogenetic location: 3p25.1.
Variant type: single nucleotide variant.
Coding change: c.700C>T on transcript NM_024334.3 (MANE Select); coding-DNA position 700, C replaced by T.
Protein change: p.Pro234Ser; replaces proline 234 with serine.
Molecular consequence: missense variant.
Genome position (GRCh38, 1-based): chr3:14,134,886, C>T. VCF-style: chr3-14134886-C-T. GRCh37 (hg19) VCF-style: chr3-14176386-C-T.
Other names: short protein forms P234S.
Identifiers: ClinVar variation 926060 (VCV000926060.40), dbSNP rs374202326, ClinGen allele CA054904.

ClinVar aggregate classification (germline): Uncertain significance. Review status: criteria provided, multiple submitters, no conflicts (2 of 4 stars). 9 submissions from 9 submitters: Uncertain significance (9). Last evaluated 2025-02-25.

Conditions:
Emery-Dreifuss muscular dystrophy 2, autosomal dominant (EDMD2). Also called: Benign scapuloperoneal muscular dystrophy with cardiomyopathy; LMNA-Related Emery-Dreifuss Muscular Dystrophy, Autosomal; HAUPTMANN-THANNHAUSER MUSCULAR DYSTROPHY; Limb-girdle muscular dystrophy, type 1B; Muscular dystrophy, proximal, type 1B; MUSCULAR DYSTROPHY WITH EARLY CONTRACTURES AND CARDIOMYOPATHY, AUTOSOMAL DOMINANT. Identifiers: Orphanet 261, Orphanet 264, MedGen C0410190, MONDO:0021569, OMIM 181350.
Arrhythmogenic right ventricular dysplasia 5. Also called: Arrhythmogenic Right Ventricular Dysplasia/Cardiomyopathy 5; ARRHYTHMOGENIC RIGHT VENTRICULAR DYSPLASIA, FAMILIAL, 5. Identifiers: MedGen C1858379, MONDO:0011459, OMIM 604400.
Emery-Dreifuss muscular dystrophy 7, autosomal dominant (EDMD7). Also called: Emery-Dreifuss muscular dystrophy 7, AD. Identifiers: Orphanet 261, MedGen C3553060, MONDO:0013677, OMIM 614302.
Auditory neuropathy, autosomal dominant 3 (AUNA3). Identifiers: MedGen C5676964, MONDO:0859235, OMIM 619832.
Cardiomyopathy (CMYO). Also called: Cardiomyopathies. Identifiers: Orphanet 167848, MedGen C0878544, MONDO:0004994, HP:0001638. Inheritance: Various modes of inheritance.
Cardiovascular phenotype. Identifiers: MedGen CN230736.

Allele frequency attached by ClinVar (database versions not stated): gnomAD exomes 0.00001; TOPMed 0.00001; ExAC 0.00002; ESP Exome Variant Server 0.00008; gnomAD 0.00001.
gnomAD v4.1: 38 of 1,614,052 alleles (0.0024%); highest among the groups gnomAD compares: South Asian, 0.0088%; no homozygotes.

Submissions (9):

GeneDx
Classification: Uncertain significance. Last evaluated: 2025-02-25. Review status: criteria provided, single submitter. Criteria: GeneDx Variant Classification Process June 2021. Collection method: clinical testing. Allele origin: germline. Affected: yes.
Comment: Not observed at significant frequency in large population cohorts (gnomAD); In silico analysis supports that this missense variant has a deleterious effect on protein structure/function; Has not been previously published as pathogenic or benign to our knowledge

Ambry Genetics
Classification: Uncertain significance for Cardiovascular phenotype. Last evaluated: 2024-07-24. Review status: criteria provided, single submitter. Criteria: Ambry Variant Classification Scheme 2023. Collection method: clinical testing. Allele origin: germline.
Comment: The p.P234S variant (also known as c.700C>T), located in coding exon 8 of the TMEM43 gene, results from a C to T substitution at nucleotide position 700. The proline at codon 234 is replaced by serine, an amino acid with similar properties. This amino acid position is conserved. In addition, the in silico prediction for this alteration is inconclusive. Based on the available evidence, the clinical significance of this variant remains unclear.

All of Us Research Program, National Institutes of Health
Classification: Uncertain significance for Arrhythmogenic right ventricular dysplasia 5. Last evaluated: 2024-03-24. Review status: criteria provided, single submitter. Criteria: ACMG Guidelines, 2015. Collection method: clinical testing. Allele origin: germline. Inheritance: Autosomal dominant inheritance. Observed: 4 variant alleles, 4 heterozygotes.
Comment: This missense variant replaces proline with serine at codon 234 of the TMEM43 protein. Computational prediction is inconclusive regarding the impact of this variant on protein structure and function (internally defined REVEL score threshold 0.5 < inconclusive < 0.7, PMID: 27666373). To our knowledge, functional studies have not been reported for this variant. This variant has not been reported in individuals affected with cardiovascular disorders in the literature. This variant has been identified in 3/251314 chromosomes in the general population by the Genome Aggregation Database (gnomAD). The available evidence is insufficient to determine the role of this variant in disease conclusively. Therefore, this variant is classified as a Variant of Uncertain Significance.

This study involves interpretation of variants in research participants for the purpose of population health screening. Participant phenotype was not available at the time of variant classification. Additional details can be found in publication PMID: 35346344, PMCID: PMC8962531

Color Diagnostics, LLC DBA Color Health
Classification: Uncertain significance for Cardiomyopathy. Last evaluated: 2024-03-06. Review status: criteria provided, single submitter. Criteria: ACMG Guidelines, 2015. Collection method: clinical testing. Allele origin: germline.
Comment: This missense variant replaces proline with serine at codon 234 of the TMEM43 protein. Computational prediction is inconclusive regarding the impact of this variant on protein structure and function (internally defined REVEL score threshold 0.5 < inconclusive < 0.7, PMID: 27666373). To our knowledge, functional studies have not been reported for this variant. This variant has not been reported in individuals affected with cardiovascular disorders in the literature. This variant has been identified in 3/251314 chromosomes in the general population by the Genome Aggregation Database (gnomAD). The available evidence is insufficient to determine the role of this variant in disease conclusively. Therefore, this variant is classified as a Variant of Uncertain Significance.

CeGaT Center for Human Genetics Tuebingen
Classification: Uncertain significance. Last evaluated: 2024-03-01. Review status: criteria provided, single submitter. Criteria: CeGaT Center For Human Genetics Tuebingen Variant Classification Criteria Version 2. Collection method: clinical testing. Allele origin: germline. Affected: yes. Observed: 1 variant allele.

Labcorp Genetics (formerly Invitae), Labcorp
Classification: Uncertain significance for Arrhythmogenic right ventricular dysplasia 5. Last evaluated: 2024-02-17. Review status: criteria provided, single submitter. Criteria: Invitae Variant Classification Sherloc (09022015). Collection method: clinical testing. Allele origin: germline.
Comment: This sequence change replaces proline, which is neutral and non-polar, with serine, which is neutral and polar, at codon 234 of the TMEM43 protein (p.Pro234Ser). This variant is present in population databases (rs374202326, gnomAD 0.006%). This variant has not been reported in the literature in individuals affected with TMEM43-related conditions. ClinVar contains an entry for this variant (Variation ID: 926060). Advanced modeling of protein sequence and biophysical properties (such as structural, functional, and spatial information, amino acid conservation, physicochemical variation, residue mobility, and thermodynamic stability) performed at Invitae indicates that this missense variant is not expected to disrupt TMEM43 protein function with a negative predictive value of 80%. In summary, the available evidence is currently insufficient to determine the role of this variant in disease. Therefore, it has been classified as a Variant of Uncertain Significance.

Athena Diagnostics
Classification: Uncertain significance. Last evaluated: 2023-09-01. Review status: criteria provided, single submitter. Criteria: Athena Diagnostics Criteria. Collection method: clinical testing. Allele origin: unknown.
Comment: Available data are insufficient to determine the clinical significance of the variant at this time. The frequency of this variant in the general population is uninformative in assessment of its pathogenicity. Computational tools predict that this variant is damaging.

Fulgent Genetics
Classification: Uncertain significance for Arrhythmogenic right ventricular dysplasia 5; Emery-Dreifuss muscular dystrophy 7, autosomal dominant; Auditory neuropathy, autosomal dominant 3. Last evaluated: 2021-10-19. Review status: criteria provided, single submitter. Criteria: ACMG Guidelines, 2015. Collection method: clinical testing. Allele origin: unknown.

Neuberg Centre For Genomic Medicine, NCGM
Classification: Uncertain significance for Emery-Dreifuss muscular dystrophy 2, autosomal dominant. Review status: criteria provided, single submitter. Criteria: ACMG Guidelines, 2015. Collection method: clinical testing. Allele origin: germline. Inheritance: Autosomal dominant inheritance. Affected: yes.
Comment: The missense variant c.700C>T (p.Pro234Ser) in TMEM43 has been submitted to ClinVar as a Variant of Uncertain Significance (VUS). This p.Pro234Ser variant has allele frequency of 0.0012% in the gnomAD and novel (not in any individuals) in 1000 genome database. The amino acid Pro at position 234 is changed to a Ser changing protein sequence and it might alter its composition and physicochemical properties. The amino acid change p.Pro234Ser in TMEM43 is predicted as conserved by GERP++ and PhyloP across 100 vertebrates. For these reasons, this variant has been classified as Uncertain Significance (VUS).